The following is an entry in ClinVar:

NM_001130144.3(LTBP3):c.2380G>C (p.Val794Leu)

Gene: LTBP3 (latent transforming growth factor beta binding protein 3; minus strand). Cytogenetic location: 11q13.1.
Variant type: single nucleotide variant.
Coding change: c.2380G>C on transcript NM_001130144.3 (MANE Select); coding-DNA position 2380, G replaced by C.
Protein change: p.Val794Leu; replaces valine 794 with leucine.
Molecular consequence: missense variant.
Genome position (GRCh38, 1-based): chr11:65,543,523, C>G on the plus strand (G>C on the coding strand, the complement: LTBP3 is on the minus strand). VCF-style: chr11-65543523-C-G. GRCh37 (hg19) VCF-style: chr11-65310994-C-G.
Other names: c.2029G>C, p.Val677Leu (NM_001164266.1); c.2380G>C, p.Val794Leu (NM_021070.4); short protein forms V677L, V794L.
Identifiers: ClinVar variation 5023704 (VCV005023704.1).
Genomic context (GRCh38, chr11:65,543,523, plus strand): 5'-CAGAGAGGCACTGACACTGGAAAGATCCTGGCGTGTTGCTGCAGATGCCATTGTCACACA[C>G]GTCCCCAGCCTCACACTCGTCCACATCTGCAGGGCATAGGGGGTGTCAGAGGACCAGGCT-3'
Protein context (NP_001123616.1, residues 784-804): LDVDECEAGD[Val794Leu]CDNGICSNTP

ClinVar aggregate classification (germline): Uncertain significance (1 of 4 stars; one submission).

Conditions:
Inborn genetic diseases. Identifiers: MedGen C0950123, MeSH D030342.

gnomAD v4.1: 4 of 1,614,102 alleles (0.00025%); highest among the groups gnomAD compares: Middle Eastern, 0.016%; no homozygotes.

Submission:

Ambry Genetics
Classification: Uncertain significance for Inborn genetic diseases. Last evaluated: 2026-07-09. Review status: criteria provided, single submitter. Criteria: Ambry Variant Classification Scheme 2023. Collection method: clinical testing. Allele origin: germline.
Comment: The p.V794L variant (also known as c.2380G>C), located in coding exon 17 of the LTBP3 gene, results from a G to C substitution at nucleotide position 2380. The valine at codon 794 is replaced by leucine, an amino acid with highly similar properties. This amino acid position is conserved. In addition, this alteration is predicted to be tolerated by in silico analysis. Based on the available evidence, the clinical significance of this variant remains unclear.